The following is an entry in ClinVar:

ClinVar aggregate classification (germline): Benign (1 of 4 stars; one submission).

Conditions:
Spinocerebellar ataxia type 14 (SCA14). Identifiers: Orphanet 98763, MedGen C1854369, MONDO:0011540, OMIM 605361.

Allele frequency attached by ClinVar (database versions not stated): 1000 Genomes Project 0.00060; gnomAD exomes 0.00089; 1000 Genomes Project 30x 0.00094; TOPMed 0.00155; gnomAD 0.00185 and 0.00190.
gnomAD v4.1: 282 of 154,554 alleles (0.18%); highest among the groups gnomAD compares: Middle Eastern, 0.33%; no homozygotes.

Submission:

Illumina Laboratory Services, Illumina
Classification: Benign for Spinocerebellar ataxia type 14. Last evaluated: 2018-01-13. Review status: criteria provided, single submitter. Criteria: ICSL Variant Classification Criteria 13 December 2019. Collection method: clinical testing. Allele origin: germline.
Comment: This variant was observed in the ICSL laboratory as part of a predisposition screen in an ostensibly healthy population. It had not been previously curated by ICSL or reported in the Human Gene Mutation Database (HGMD: prior to June 1st, 2018), and was therefore a candidate for classification through an automated scoring system. Utilizing variant allele frequency, disease prevalence and penetrance estimates, and inheritance mode, an automated score was calculated to assess if this variant is too frequent to cause the disease. Based on the score and internal cut-off values, a variant classified as benign is not then subjected to further curation. The score for this variant resulted in a classification of benign for this disease.

NM_002739.5(PRKCG):c.*670T>C

Gene: PRKCG (protein kinase C gamma; plus strand). Cytogenetic location: 19q13.42.
Variant type: single nucleotide variant.
Coding change: c.*670T>C on transcript NM_002739.5 (MANE Select); 670 bases downstream of the stop codon, T replaced by C.
Molecular consequence: 3 prime UTR variant.
Genome position (GRCh38, 1-based): chr19:53,907,565, T>C. VCF-style: chr19-53907565-T-C. GRCh37 (hg19) VCF-style: chr19-54410819-T-C.
Other names: c.*529T>C (NM_001316329.2); c.*670T>C (LRG_669t1).
Identifiers: ClinVar variation 330084 (VCV000330084.5), dbSNP rs186000310, ClinGen allele CA10643184.